The following is an entry in ClinVar:

ClinVar aggregate classification (germline): Benign/Likely benign. Review status: criteria provided, multiple submitters, no conflicts (2 of 4 stars). 2 submissions from 2 submitters: Benign (1); Likely benign (1). Last evaluated 2026-09-29.

Conditions:
Cardiovascular phenotype. Identifiers: MedGen CN230736.
Hereditary cancer-predisposing syndrome. Also called: Hereditary neoplastic syndrome; Neoplastic Syndromes, Hereditary; Tumor predisposition; Hereditary Cancer Syndrome. Identifiers: Orphanet 140162, MedGen C0027672, MeSH D009386, MONDO:0015356.
Neurofibromatosis, type 1 (NF1). Also called: VON RECKLINGHAUSEN DISEASE; Peripheral type neurofibromatosis; NEUROFIBROMATOSIS, TYPE I, SOMATIC; Neurofibromatosis, type I. Identifiers: Orphanet 636, MedGen C0027831, MONDO:0018975, OMIM 162200. Disease mechanism: loss of function.

Submissions (2):

Myriad Genetics, Inc.
Classification: Benign for Neurofibromatosis, type 1. Last evaluated: 2026-09-29. Review status: criteria provided, single submitter. Criteria: Myriad Autosomal Dominant, Autosomal Recessive and X-Linked Classification Criteria (2023). Collection method: clinical testing. Allele origin: unknown.
Comment: This variant is considered benign. This variant is a silent/synonymous amino acid change and it is not expected to impact splicing.

Ambry Genetics
Classification: Likely benign for Cardiovascular phenotype; Hereditary cancer-predisposing syndrome. Last evaluated: 2021-10-05. Review status: criteria provided, single submitter. Criteria: Ambry Variant Classification Scheme 2023. Collection method: clinical testing. Allele origin: germline.

NM_001042492.3(NF1):c.1701A>C (p.Val567=)

Gene: NF1 (neurofibromin 1; plus strand). Cytogenetic location: 17q11.2.
Variant type: single nucleotide variant.
Coding change: c.1701A>C on transcript NM_001042492.3 (MANE Select); coding-DNA position 1701, A replaced by C.
Protein change: p.Val567=; no amino-acid change (valine 567 retained).
Molecular consequence: synonymous variant.
Genome position (GRCh38, 1-based): chr17:31,221,909, A>C. VCF-style: chr17-31221909-A-C. GRCh37 (hg19) VCF-style: chr17-29548927-A-C.
Other names: c.1701A>C, p.Val567= (NM_000267.4, NM_001128147.3).
Identifiers: ClinVar variation 1778355 (VCV001778355.3), dbSNP rs786203819, ClinGen allele CA499228526.